The following is an entry in ClinVar:

NM_004415.4(DSP):c.7566A>G (p.Arg2522=)

Gene: DSP (desmoplakin; plus strand). Cytogenetic location: 6p24.3.
Variant type: single nucleotide variant.
Coding change: c.7566A>G on transcript NM_004415.4 (MANE Select); coding-DNA position 7566, A replaced by G.
Protein change: p.Arg2522=; no amino-acid change (arginine 2522 retained).
Molecular consequence: synonymous variant.
Genome position (GRCh38, 1-based): chr6:7,584,828, A>G. VCF-style: chr6-7584828-A-G. GRCh37 (hg19) VCF-style: chr6-7585061-A-G.
Other names: c.5769A>G, p.Arg1923= (NM_001008844.3); c.6237A>G, p.Arg2079= (NM_001319034.2).
Identifiers: ClinVar variation 4982279 (VCV004982279.1).

ClinVar aggregate classification (germline): Likely benign (1 of 4 stars; one submission).

Conditions:
DSP-related disorder. Also called: DSP-related condition; DSP-related disorders.

gnomAD v4.1: 3 of 1,614,078 alleles (0.00019%); highest among the groups gnomAD compares: African/African-American, 0.004%; no homozygotes.

Submission:

PreventionGenetics, part of Exact Sciences
Classification: Likely benign for DSP-related condition. Last evaluated: 2025-12-19. Review status: criteria provided, single submitter. Criteria: ACMG Guidelines, 2015. Collection method: clinical testing. Allele origin: germline.
Comment: This variant is classified as likely benign based on ACMG/AMP sequence variant interpretation guidelines (Richards et al. 2015 PMID: 25741868, with internal and published modifications).